The following is an entry in ClinVar:

ClinVar aggregate classification (germline): Uncertain significance (1 of 4 stars; one submission).

Allele frequency attached by ClinVar (database versions not stated): gnomAD exomes below 0.00001; ExAC 0.00001; TOPMed 0.00001.
gnomAD v4.1: 2 of 1,613,334 alleles (0.00012%); highest among the groups gnomAD compares: Non-Finnish European, 0.00017%; no homozygotes.

Submission:

Labcorp Genetics (formerly Invitae), Labcorp
Classification: Uncertain significance. Last evaluated: 2022-08-06. Review status: criteria provided, single submitter. Criteria: Invitae Variant Classification Sherloc (09022015). Collection method: clinical testing. Allele origin: germline.
Comment: In summary, the available evidence is currently insufficient to determine the role of this variant in disease. Therefore, it has been classified as a Variant of Uncertain Significance. Algorithms developed to predict the effect of missense changes on protein structure and function are either unavailable or do not agree on the potential impact of this missense change (SIFT: "Deleterious"; PolyPhen-2: "Benign"; Align-GVGD: "Class C55"). This variant has not been reported in the literature in individuals affected with KLHL7-related conditions. This variant is present in population databases (rs768864989, gnomAD 0.002%). This sequence change replaces alanine, which is neutral and non-polar, with valine, which is neutral and non-polar, at codon 485 of the KLHL7 protein (p.Ala485Val).

NM_001031710.3(KLHL7):c.1454C>T (p.Ala485Val)

Gene: KLHL7 (kelch like family member 7; plus strand). Cytogenetic location: 7p15.3.
Variant type: single nucleotide variant.
Coding change: c.1454C>T on transcript NM_001031710.3 (MANE Select); coding-DNA position 1454, C replaced by T.
Protein change: p.Ala485Val; replaces alanine 485 with valine.
Molecular consequence: missense variant. On other transcripts: non-coding transcript variant (1).
Genome position (GRCh38, 1-based): chr7:23,173,022, C>T. VCF-style: chr7-23173022-C-T. GRCh37 (hg19) VCF-style: chr7-23212641-C-T.
Other names: c.1310C>T, p.Ala437Val (NM_018846.5); short protein forms A437V, A485V.
Identifiers: ClinVar variation 1929147 (VCV001929147.5), dbSNP rs768864989, ClinGen allele CA4186627.
Genomic context (GRCh38, chr7:23,173,022, plus strand): 5'-GTCCAATGATTGAAGCCAGGAAGAATCATGGGCTGGTATTTGTAAAAGACAAGATATTTG[C>T]TGTGGGTGGTCAGAATGGTTTAGGTATGTGATGTTAATTCACTGTTCCACTTTCCTGATG-3'
Protein context (NP_001026880.2, residues 475-495): GLVFVKDKIF[Ala485Val]VGGQNGLGGL